The following is an entry in ClinVar:

ClinVar aggregate classification (germline): Uncertain significance (1 of 4 stars; one submission).

Submission:

CeGaT Center for Human Genetics Tuebingen
Classification: Uncertain significance. Last evaluated: 2024-08-01. Review status: criteria provided, single submitter. Criteria: CeGaT Center For Human Genetics Tuebingen Variant Classification Criteria Version 2. Collection method: clinical testing. Allele origin: germline. Affected: yes. Observed: 1 variant allele.
Comment: DNMT1: PM2, BP4

NM_001130823.3(DNMT1):c.117+8C>A

Genes: DNMT1 (DNA methyltransferase 1; minus strand), LOC107080555 (origin of replication in DNMT1; plus strand). Cytogenetic location: 19p13.2.
Variant type: single nucleotide variant.
Coding change: c.117+8C>A on transcript NM_001130823.3 (MANE Select); 8 bases into the intron after coding-DNA position 117, C replaced by A.
Molecular consequence: intron variant.
Genome position (GRCh38, 1-based): chr19:10,182,033, G>T on the plus strand (C>A on the coding strand, the complement: DNMT1 is on the minus strand). VCF-style: chr19-10182033-G-T. GRCh37 (hg19) VCF-style: chr19-10292709-G-T.
Other names: c.-207+8C>A (NM_001318731.2); c.117+8C>A (NM_001379.4, NM_001318730.2).
Identifiers: ClinVar variation 3342102 (VCV003342102.16).
Genomic context (GRCh38, chr19:10,182,033, plus strand): 5'-TCTTTTTATGAGCCACAAAGTGTGTCAGTCAGATTTGGTAATAAGAAAAATTTTAAGGTG[G>T]AGATTACCTTTTCTGTTAAGCTGTCTCTTTCCAAATCTTTGAGCCTGGGAGGAAGAAATA-3'